The following is an entry in ClinVar:

NM_001267550.2(TTN):c.99070T>G (p.Cys33024Gly)

Genes: TTN-AS1 (TTN antisense RNA 1; plus strand), TTN (titin; minus strand). Cytogenetic location: 2q31.2.
Variant type: single nucleotide variant.
Coding change: c.99070T>G on transcript NM_001267550.2 (MANE Select); coding-DNA position 99070, T replaced by G.
Protein change: p.Cys33024Gly; replaces cysteine 33024 with glycine.
Molecular consequence: missense variant. On other transcripts: non-coding transcript variant (1).
Genome position (GRCh38, 1-based): chr2:178,538,759, A>C on the plus strand (T>G on the coding strand, the complement: TTN is on the minus strand). VCF-style: chr2-178538759-A-C. GRCh37 (hg19) VCF-style: chr2-179403486-A-C.
Other names: c.94147T>G, p.Cys31383Gly (NM_001256850.1); c.71875T>G, p.Cys23959Gly (NM_003319.4); c.91366T>G, p.Cys30456Gly (NM_133378.4); c.72250T>G, p.Cys24084Gly (NM_133432.3); c.72451T>G, p.Cys24151Gly (NM_133437.4); short protein forms C30456G, C33024G, C31383G, C23959G, C24151G, C24084G.
Identifiers: ClinVar variation 191833 (VCV000191833.1), dbSNP rs200744054, ClinGen allele CA237662.
Genomic context (GRCh38, chr2:178,538,759, plus strand): 5'-CACTGTCTCCAGACTGTCTATATTCAACCCAGTATCCAAGAATTTCTTTACCACCATCAC[A>C]TTCAGGTTTCTCCCACTGTAGAGTGACACTATCTTTGGATATTGAAAGAATCTCAAGTTC-3'
Protein context (NP_001254479.2, residues 33014-33034): SVTLQWEKPE[Cys33024Gly]DGGKEILGYW

ClinVar aggregate classification (germline): Uncertain significance (1 of 4 stars; one submission).

Allele frequency attached by ClinVar (database versions not stated): gnomAD exomes below 0.00001.
gnomAD v4.1: 1 of 1,613,686 alleles (0.000062%); highest among the groups gnomAD compares: Non-Finnish European, 0.000085%; no homozygotes.

Submission:

Biesecker Lab/Clinical Genomics Section, National Institutes of Health
Classification: Uncertain significance. Last evaluated: 2013-06-24. Review status: criteria provided, single submitter. Criteria: Ng et al. (Circ Cardiovasc Genet. 2013). Collection method: research. Allele origin: unknown. Observed: 1 variant allele. Study: ClinSeq.
Comment: The study set was not selected for affection status in relation to any cancer. Pathogenicity categories were based on literature curation. See Pubmed ID:23861362 for details.

Medical sequencing